The following is an entry in ClinVar:

ClinVar aggregate classification (germline): Uncertain significance (1 of 4 stars; one submission).

Conditions:
Hereditary cancer-predisposing syndrome. Also called: Hereditary Cancer Syndrome; Hereditary neoplastic syndrome; Neoplastic Syndromes, Hereditary; Tumor predisposition. Identifiers: Orphanet 140162, MedGen C0027672, MeSH D009386, MONDO:0015356.

Allele frequency attached by ClinVar (database versions not stated): gnomAD exomes 0.00001.
gnomAD v4.1: 5 of 1,613,948 alleles (0.00031%); highest among the groups gnomAD compares: Non-Finnish European, 0.00042%; no homozygotes.

Submission:

Ambry Genetics
Classification: Uncertain significance for Hereditary cancer-predisposing syndrome. Last evaluated: 2021-10-19. Review status: criteria provided, single submitter. Criteria: Ambry Variant Classification Scheme 2023. Collection method: clinical testing. Allele origin: germline.
Comment: The p.A513V variant (also known as c.1538C>T), located in coding exon 14 of the FANCC gene, results from a C to T substitution at nucleotide position 1538. The alanine at codon 513 is replaced by valine, an amino acid with similar properties. This amino acid position is conserved. In addition, this alteration is predicted to be tolerated by in silico analysis. Since supporting evidence is limited at this time, the clinical significance of this alteration remains unclear.

NM_000136.3(FANCC):c.1538C>T (p.Ala513Val)

Genes: AOPEP (aminopeptidase O (putative); plus strand), FANCC (FA complementation group C; minus strand). Cytogenetic location: 9q22.32.
Variant type: single nucleotide variant.
Coding change: c.1538C>T on transcript NM_000136.3 (MANE Select); coding-DNA position 1538, C replaced by T.
Protein change: p.Ala513Val; replaces alanine 513 with valine.
Molecular consequence: missense variant.
Genome position (GRCh38, 1-based): chr9:95,101,846, G>A on the plus strand (C>T on the coding strand, the complement: FANCC is on the minus strand). VCF-style: chr9-95101846-G-A. GRCh37 (hg19) VCF-style: chr9-97864128-G-A.
Other names: c.1538C>T, p.Ala513Val (NM_001243743.2); short protein forms A513V.
Identifiers: ClinVar variation 1774754 (VCV001774754.2), dbSNP rs2540751221, ClinGen allele CA374104852.